The following is an entry in ClinVar:

NM_016222.4(DDX41):c.1163G>T (p.Ser388Ile)

Gene: DDX41 (DEAD-box helicase 41; minus strand). Cytogenetic location: 5q35.3.
Variant type: single nucleotide variant.
Coding change: c.1163G>T on transcript NM_016222.4 (MANE Select); coding-DNA position 1163, G replaced by T.
Protein change: p.Ser388Ile; replaces serine 388 with isoleucine.
Molecular consequence: missense variant.
Genome position (GRCh38, 1-based): chr5:177,513,420, C>A on the plus strand (G>T on the coding strand, the complement: DDX41 is on the minus strand). VCF-style: chr5-177513420-C-A. GRCh37 (hg19) VCF-style: chr5-176940421-C-A.
Other names: c.785G>T, p.Ser262Ile (NM_001321732.2, NM_001321830.2); short protein forms S262I, S388I.
Identifiers: ClinVar variation 3500543 (VCV003500543.1).

ClinVar aggregate classification (germline): Uncertain significance (1 of 4 stars; one submission).

Conditions:
Inborn genetic diseases. Identifiers: MedGen C0950123, MeSH D030342.

Submission:

Ambry Genetics
Classification: Uncertain significance for Inborn genetic diseases. Last evaluated: 2024-12-01. Review status: criteria provided, single submitter. Criteria: Ambry Variant Classification Scheme 2023. Collection method: clinical testing. Allele origin: germline.
Comment: The p.S388I variant (also known as c.1163G>T), located in coding exon 11 of the DDX41 gene, results from a G to T substitution at nucleotide position 1163. The serine at codon 388 is replaced by isoleucine, an amino acid with dissimilar properties. This amino acid position is conserved. In addition, the in silico prediction for this alteration is inconclusive. Based on the available evidence, the clinical significance of this variant remains unclear.